The following is an entry in ClinVar:

ClinVar aggregate classification (germline): Likely benign (1 of 4 stars; one submission).

gnomAD v4.1: 1 of 1,614,160 alleles (0.000062%); highest among the groups gnomAD compares: Non-Finnish European, 0.000085%; no homozygotes.

Submission:

CeGaT Center for Human Genetics Tuebingen
Classification: Likely benign. Last evaluated: 2026-02-01. Review status: criteria provided, single submitter. Criteria: CeGaT Center For Human Genetics Tuebingen Variant Classification Criteria Version 2. Collection method: clinical testing. Allele origin: germline. Affected: yes. Observed: 1 variant allele.
Comment: MYH6: BP4, BP7

NM_002471.4(MYH6):c.2871T>C (p.Asp957=)

Gene: MYH6 (myosin heavy chain 6; minus strand). Cytogenetic location: 14q11.2.
Variant type: single nucleotide variant.
Coding change: c.2871T>C on transcript NM_002471.4 (MANE Select); coding-DNA position 2871, T replaced by C.
Protein change: p.Asp957=; no amino-acid change (aspartic acid 957 retained).
Molecular consequence: synonymous variant.
Genome position (GRCh38, 1-based): chr14:23,393,723, A>G on the plus strand (T>C on the coding strand, the complement: MYH6 is on the minus strand). VCF-style: chr14-23393723-A-G. GRCh37 (hg19) VCF-style: chr14-23862932-A-G.
Identifiers: ClinVar variation 4822683 (VCV004822683.4).